The following is an entry in ClinVar:

NM_001845.6(COL4A1):c.740A>C (p.Gln247Pro)

Gene: COL4A1 (collagen type IV alpha 1 chain; minus strand). Cytogenetic location: 13q34.
Variant type: single nucleotide variant.
Coding change: c.740A>C on transcript NM_001845.6 (MANE Select); coding-DNA position 740, A replaced by C.
Protein change: p.Gln247Pro; replaces glutamine 247 with proline.
Molecular consequence: missense variant.
Genome position (GRCh38, 1-based): chr13:110,207,443, T>G on the plus strand (A>C on the coding strand, the complement: COL4A1 is on the minus strand). VCF-style: chr13-110207443-T-G. GRCh37 (hg19) VCF-style: chr13-110859790-T-G.
Other names: c.740A>C, p.Gln247Pro (NM_001303110.2); short protein forms Q247P.
Identifiers: ClinVar variation 3346910 (VCV003346910.1).

ClinVar aggregate classification (germline): Uncertain significance (0 of 4 stars; one submission).

Conditions:
COL4A1-related disorder. Also called: COL4A1-related disorders; COL4A1-related condition. Identifiers: MedGen CN376119, MONDO:0800461.

Submission:

PreventionGenetics, part of Exact Sciences
Classification: Uncertain significance for COL4A1-related condition. Last evaluated: 2024-07-26. Review status: no assertion criteria provided. Collection method: clinical testing. Allele origin: germline.
Comment: The COL4A1 c.740A>C variant is predicted to result in the amino acid substitution p.Gln247Pro. To our knowledge, this variant has not been reported in the literature or in a large population database, indicating this variant is rare. At this time, the clinical significance of this variant is uncertain due to the absence of conclusive functional and genetic evidence.